The following is an entry in ClinVar:

ClinVar aggregate classification (germline): Uncertain significance (1 of 4 stars; one submission).

Allele frequency attached by ClinVar (database versions not stated): TOPMed below 0.00001.

Submission:

Labcorp Genetics (formerly Invitae), Labcorp
Classification: Uncertain significance. Last evaluated: 2022-01-03. Review status: criteria provided, single submitter. Criteria: Invitae Variant Classification Sherloc (09022015). Collection method: clinical testing. Allele origin: germline.
Comment: In summary, the available evidence is currently insufficient to determine the role of this variant in disease. Therefore, it has been classified as a Variant of Uncertain Significance. Algorithms developed to predict the effect of missense changes on protein structure and function are either unavailable or do not agree on the potential impact of this missense change (SIFT: "Deleterious"; PolyPhen-2: "Benign"; Align-GVGD: "Class C0"). This variant has not been reported in the literature in individuals affected with DOCK6-related conditions. This variant is not present in population databases (gnomAD no frequency). This sequence change replaces valine, which is neutral and non-polar, with leucine, which is neutral and non-polar, at codon 1013 of the DOCK6 protein (p.Val1013Leu).

NM_020812.4(DOCK6):c.3037G>C (p.Val1013Leu)

Gene: DOCK6 (dedicator of cytokinesis 6; minus strand). Cytogenetic location: 19p13.2.
Variant type: single nucleotide variant.
Coding change: c.3037G>C on transcript NM_020812.4 (MANE Select); coding-DNA position 3037, G replaced by C.
Protein change: p.Val1013Leu; replaces valine 1013 with leucine.
Molecular consequence: missense variant.
Genome position (GRCh38, 1-based): chr19:11,223,025, C>G on the plus strand (G>C on the coding strand, the complement: DOCK6 is on the minus strand). VCF-style: chr19-11223025-C-G. GRCh37 (hg19) VCF-style: chr19-11333701-C-G.
Other names: c.3142G>C, p.Val1048Leu (NM_001367830.1); short protein forms V1048L, V1013L.
Identifiers: ClinVar variation 1952832 (VCV001952832.5), dbSNP rs2079606238, ClinGen allele CA404090862.